The following is an entry in ClinVar:

NM_198576.4(AGRN):c.1603+9C>T

Gene: AGRN (agrin; plus strand). Cytogenetic location: 1p36.33.
Variant type: single nucleotide variant.
Coding change: c.1603+9C>T on transcript NM_198576.4 (MANE Select); 9 bases into the intron after coding-DNA position 1603, C replaced by T.
Molecular consequence: intron variant.
Genome position (GRCh38, 1-based): chr1:1,043,466, C>T. VCF-style: chr1-1043466-C-T. GRCh37 (hg19) VCF-style: chr1-978846-C-T.
Other names: c.1603+9C>T (NM_001305275.2); c.1288+9C>T (NM_001364727.2).
Identifiers: ClinVar variation 855719 (VCV000855719.9), dbSNP rs529318022, ClinGen allele CA508241.
Genomic context (GRCh38, chr1:1,043,466, plus strand): 5'-ACGGCCTGTACCCTCGGGCGGGAGATCCAGGTGGCGCGCAAAGGACCCTGTGGTCAGTGG[C>T]GGGTGAGGGGTCTGGTGGGGGTCGGGGAGAGAGAGGTTCCTGGTCGCCTGGTGATGGAAG-3'

ClinVar aggregate classification (germline): Uncertain significance (1 of 4 stars; one submission).

Conditions:
Congenital myasthenic syndrome 8. Also called: Myasthenic syndrome, congenital, 8, with pre- and postsynaptic defects; MYASTHENIC SYNDROME, CONGENITAL, DUE TO AGRIN DEFICIENCY. Identifiers: Orphanet 590, MedGen C3808739, MONDO:0014052, OMIM 615120.

Allele frequency attached by ClinVar (database versions not stated): gnomAD exomes below 0.00001; gnomAD 0.00001; TOPMed 0.00001.
gnomAD v4.1: 6 of 1,596,736 alleles (0.00038%); highest among the groups gnomAD compares: African/African-American, 0.0027%; no homozygotes.

Submission:

Labcorp Genetics (formerly Invitae), Labcorp
Classification: Uncertain significance for Congenital myasthenic syndrome 8. Last evaluated: 2024-05-15. Review status: criteria provided, single submitter. Criteria: Invitae Variant Classification Sherloc (09022015). Collection method: clinical testing. Allele origin: germline.
Comment: This sequence change falls in intron 8 of the AGRN gene. It does not directly change the encoded amino acid sequence of the AGRN protein. This variant is not present in population databases (gnomAD no frequency). This variant has not been reported in the literature in individuals affected with AGRN-related conditions. ClinVar contains an entry for this variant (Variation ID: 855719). Algorithms developed to predict the effect of sequence changes on RNA splicing suggest that this variant may create or strengthen a splice site. In summary, the available evidence is currently insufficient to determine the role of this variant in disease. Therefore, it has been classified as a Variant of Uncertain Significance.